The following is an entry in ClinVar:

ClinVar aggregate classification (germline): Benign/Likely benign. Review status: criteria provided, multiple submitters, no conflicts (2 of 4 stars). 4 submissions from 4 submitters: Benign (3); Likely benign (1). Last evaluated 2026-02-01.

Conditions:
Retinal cone dystrophy 4 (RCD4). Identifiers: Orphanet 1872, MedGen C1864849, MONDO:0012507, OMIM 610478.

Allele frequency attached by ClinVar (database versions not stated): gnomAD exomes 0.00058 and 0.00140; ExAC 0.00276; ESP Exome Variant Server 0.00523; gnomAD 0.00579 and 0.00630; TOPMed 0.00632; 1000 Genomes Project 0.00639; 1000 Genomes Project 30x 0.00796.
gnomAD v4.1: 1,755 of 1,560,310 alleles (0.11%); highest among the groups gnomAD compares: African/African-American, 2.1%; 19 homozygotes.

Submissions (4):

Labcorp Genetics (formerly Invitae), Labcorp
Classification: Benign. Last evaluated: 2026-02-01. Review status: criteria provided, single submitter. Criteria: Invitae Variant Classification Sherloc (09022015). Collection method: clinical testing. Allele origin: germline.

Blueprint Genetics
Classification: Likely benign. Last evaluated: 2024-11-06. Review status: criteria provided, single submitter. Criteria: ACMG Guidelines, 2015. Collection method: clinical testing. Allele origin: germline.

Illumina Laboratory Services, Illumina
Classification: Benign for Retinal cone dystrophy 4. Last evaluated: 2018-01-12. Review status: criteria provided, single submitter. Criteria: ICSL Variant Classification Criteria 13 December 2019. Collection method: clinical testing. Allele origin: germline.
Comment: This variant was observed in the ICSL laboratory as part of a predisposition screen in an ostensibly healthy population. It had not been previously curated by ICSL or reported in the Human Gene Mutation Database (HGMD: prior to June 1st, 2018), and was therefore a candidate for classification through an automated scoring system. Utilizing variant allele frequency, disease prevalence and penetrance estimates, and inheritance mode, an automated score was calculated to assess if this variant is too frequent to cause the disease. Based on the score and internal cut-off values, a variant classified as benign is not then subjected to further curation. The score for this variant resulted in a classification of benign for this disease.

Breakthrough Genomics
Classification: Benign. Review status: criteria provided, single submitter. Criteria: ACMG Guidelines, 2015. Collection method: not provided. Allele origin: germline. Inheritance: Autosomal recessive inheritance. Affected: yes.

NM_172364.5(CACNA2D4):c.2588G>A (p.Arg863His)

Gene: CACNA2D4 (calcium voltage-gated channel auxiliary subunit alpha2delta 4; minus strand). Cytogenetic location: 12p13.33.
Variant type: single nucleotide variant.
Coding change: c.2588G>A on transcript NM_172364.5 (MANE Select); coding-DNA position 2588, G replaced by A.
Protein change: p.Arg863His; replaces arginine 863 with histidine.
Molecular consequence: missense variant.
Genome position (GRCh38, 1-based): chr12:1,811,687, C>T on the plus strand (G>A on the coding strand, the complement: CACNA2D4 is on the minus strand). VCF-style: chr12-1811687-C-T. GRCh37 (hg19) VCF-style: chr12-1920853-C-T.
Other names: short protein forms R863H.
Identifiers: ClinVar variation 307845 (VCV000307845.16), dbSNP rs36077411, ClinGen allele CA6386300.